The following is an entry in ClinVar:

ClinVar aggregate classification (germline): Uncertain significance (1 of 4 stars; one submission).

Conditions:
Bethlem myopathy 1A. Also called: Bethlem myopathy 1; MYOPATHY, BENIGN CONGENITAL, WITH CONTRACTURES; Bethlem Muscular Dystrophy. Identifiers: Orphanet 610, MedGen CN029274, MONDO:0024530, OMIM 158810.

Submission:

Labcorp Genetics (formerly Invitae), Labcorp
Classification: Uncertain significance for Bethlem myopathy 1A. Last evaluated: 2024-09-30. Review status: criteria provided, single submitter. Criteria: Invitae Variant Classification Sherloc (09022015). Collection method: clinical testing. Allele origin: germline.
Comment: This sequence change replaces glycine, which is neutral and non-polar, with serine, which is neutral and polar, at codon 98 of the COL6A2 protein (p.Gly98Ser). This variant is present in population databases (no rsID available, gnomAD 0.008%). This variant has not been reported in the literature in individuals affected with COL6A2-related conditions. Invitae Evidence Modeling of protein sequence and biophysical properties (such as structural, functional, and spatial information, amino acid conservation, physicochemical variation, residue mobility, and thermodynamic stability) indicates that this missense variant is expected to disrupt COL6A2 protein function with a positive predictive value of 80%. In summary, the available evidence is currently insufficient to determine the role of this variant in disease. Therefore, it has been classified as a Variant of Uncertain Significance.

NM_001849.4(COL6A2):c.292G>A (p.Gly98Ser)

Gene: COL6A2 (collagen type VI alpha 2 chain; plus strand). Cytogenetic location: 21q22.3.
Variant type: single nucleotide variant.
Coding change: c.292G>A on transcript NM_001849.4 (MANE Select); coding-DNA position 292, G replaced by A.
Protein change: p.Gly98Ser; replaces glycine 98 with serine.
Molecular consequence: missense variant.
Genome position (GRCh38, 1-based): chr21:46,112,155, G>A. VCF-style: chr21-46112155-G-A. GRCh37 (hg19) VCF-style: chr21-47532069-G-A.
Other names: c.292G>A, p.Gly98Ser (NM_058174.3, NM_058175.3); short protein forms G98S.
Identifiers: ClinVar variation 3613361 (VCV003613361.2).